The following is an entry in ClinVar:

NM_001267550.2(TTN):c.70396C>T (p.Arg23466Cys)

Genes: TTN (titin; minus strand), TTN-AS1 (TTN antisense RNA 1; plus strand), LOC126806422 (BRD4-independent group 4 enhancer GRCh37_chr2:179440205-179441404; plus strand). Cytogenetic location: 2q31.2.
Variant type: single nucleotide variant.
Coding change: c.70396C>T on transcript NM_001267550.2 (MANE Select); coding-DNA position 70396, C replaced by T.
Protein change: p.Arg23466Cys; replaces arginine 23466 with cysteine.
Molecular consequence: missense variant.
Genome position (GRCh38, 1-based): chr2:178,575,736, G>A on the plus strand (C>T on the coding strand, the complement: TTN is on the minus strand). VCF-style: chr2-178575736-G-A. GRCh37 (hg19) VCF-style: chr2-179440463-G-A.
Other names: c.65473C>T, p.Arg21825Cys (NM_001256850.1); c.43201C>T, p.Arg14401Cys (NM_003319.4); c.62692C>T, p.Arg20898Cys (NM_133378.4); c.43576C>T, p.Arg14526Cys (NM_133432.3); c.43777C>T, p.Arg14593Cys (NM_133437.4); short protein forms R23466C, R20898C, R21825C, R14401C, R14526C, R14593C.
Identifiers: ClinVar variation 196075 (VCV000196075.10), dbSNP rs749744742, ClinGen allele CA242847.

ClinVar aggregate classification (germline): Uncertain significance. Review status: criteria provided, multiple submitters, no conflicts (2 of 4 stars). 3 submissions from 3 submitters: Uncertain significance (3). Last evaluated 2021-05-26.

Conditions:
Cardiovascular phenotype. Identifiers: MedGen CN230736.

Allele frequency attached by ClinVar (database versions not stated): ExAC 0.00001; gnomAD exomes 0.00001; gnomAD 0.00002; TOPMed 0.00003.
gnomAD v4.1: 14 of 1,613,316 alleles (0.00087%); highest among the groups gnomAD compares: Admixed American, 0.0017%; no homozygotes.

Submissions (3):

Revvity Omics, Revvity
Classification: Uncertain significance. Last evaluated: 2021-05-26. Review status: criteria provided, single submitter. Criteria: ACMG Guidelines, 2015. Collection method: clinical testing. Allele origin: germline.

Ambry Genetics
Classification: Uncertain significance for Cardiovascular phenotype. Last evaluated: 2020-07-08. Review status: criteria provided, single submitter. Criteria: Ambry Variant Classification Scheme 2023. Collection method: clinical testing. Allele origin: germline.
Comment: The p.R14401C variant (also known as c.43201C>T), located in coding exon 153 of the TTN gene, results from a C to T substitution at nucleotide position 43201. The arginine at codon 14401 is replaced by cysteine, an amino acid with highly dissimilar properties. This amino acid position is not well conserved in available vertebrate species. In addition, this alteration is predicted to be tolerated by in silico analysis. Since supporting evidence is limited at this time, the clinical significance of this alteration remains unclear.

Eurofins Ntd Llc (ga)
Classification: Uncertain significance. Last evaluated: 2014-12-16. Review status: criteria provided, single submitter. Criteria: EGL Classification Definitions 2015. Collection method: clinical testing. Allele origin: germline. Observed: 1 variant allele, 1 heterozygote.